The following is an entry in ClinVar:

NM_001005242.3(PKP2):c.2068A>G (p.Thr690Ala)

Gene: PKP2 (plakophilin 2; minus strand). Cytogenetic location: 12p11.21.
Variant type: single nucleotide variant.
Coding change: c.2068A>G on transcript NM_001005242.3 (MANE Select); coding-DNA position 2068, A replaced by G.
Protein change: p.Thr690Ala; replaces threonine 690 with alanine.
Molecular consequence: missense variant.
Genome position (GRCh38, 1-based): chr12:32,802,502, T>C on the plus strand (A>G on the coding strand, the complement: PKP2 is on the minus strand). VCF-style: chr12-32802502-T-C. GRCh37 (hg19) VCF-style: chr12-32955436-T-C.
Other names: c.2200A>G, p.Thr734Ala (NM_004572.4); short protein forms T734A, T690A.
Identifiers: ClinVar variation 464422 (VCV000464422.20), dbSNP rs867374780, ClinGen allele CA235222874.

ClinVar aggregate classification (germline): Conflicting classifications of pathogenicity. Review status: criteria provided, conflicting classifications (1 of 4 stars). 7 submissions from 7 submitters: Uncertain significance (4); Likely benign (3). Last evaluated 2025-10-02.

Conditions:
Cardiomyopathy (CMYO). Also called: Cardiomyopathies. Identifiers: Orphanet 167848, MedGen C0878544, MONDO:0004994, HP:0001638. Inheritance: Various modes of inheritance.
Arrhythmogenic right ventricular dysplasia 9 (ARVD9). Also called: Arrhythmogenic Right Ventricular Dysplasia/Cardiomyopathy 9; ARRHYTHMOGENIC RIGHT VENTRICULAR DYSPLASIA, FAMILIAL, 9. Identifiers: MedGen C1836906, MONDO:0012180, OMIM 609040.
Cardiovascular phenotype. Identifiers: MedGen CN230736.
Primary dilated cardiomyopathy (DCM). Also called: Dilated Cardiomyopathy. Identifiers: Orphanet 217604, MedGen C0007193, MeSH D002311, MONDO:0005021, HP:0001644. Inheritance: Various modes of inheritance.

Allele frequency attached by ClinVar (database versions not stated): TOPMed 0.00003; gnomAD exomes 0.00001 and 0.00002; gnomAD 0.00002.
gnomAD v4.1: 37 of 1,613,498 alleles (0.0023%); highest among the groups gnomAD compares: Middle Eastern, 0.49%; 2 homozygotes.

Submissions (7):

Labcorp Genetics (formerly Invitae), Labcorp
Classification: Uncertain significance for Arrhythmogenic right ventricular dysplasia 9. Last evaluated: 2025-10-02. Review status: criteria provided, single submitter. Criteria: Invitae Variant Classification Sherloc (09022015). Collection method: clinical testing. Allele origin: germline.
Comment: This sequence change replaces threonine, which is neutral and polar, with alanine, which is neutral and non-polar, at codon 734 of the PKP2 protein (p.Thr734Ala). This variant is present in population databases (no rsID available, gnomAD 0.008%). This missense change has been observed in individual(s) with dilated cardiomyopathy (PMID: 31568572). ClinVar contains an entry for this variant (Variation ID: 464422). An algorithm developed to predict the effect of missense changes on protein structure and function outputs the following: PolyPhen-2: "Benign". The alanine amino acid residue is found in multiple mammalian species, which suggests that this missense change does not adversely affect protein function. In summary, the available evidence is currently insufficient to determine the role of this variant in disease. Therefore, it has been classified as a Variant of Uncertain Significance.

Color Diagnostics, LLC DBA Color Health
Classification: Likely benign for Cardiomyopathy. Last evaluated: 2025-08-14. Review status: criteria provided, single submitter. Criteria: ACMG Guidelines, 2015. Collection method: clinical testing. Allele origin: germline.

Ambry Genetics
Classification: Likely benign for Cardiovascular phenotype. Last evaluated: 2025-05-03. Review status: criteria provided, single submitter. Criteria: Ambry Variant Classification Scheme 2023. Collection method: clinical testing. Allele origin: germline.

Blueprint Genetics
Classification: Likely benign. Last evaluated: 2023-10-09. Review status: criteria provided, single submitter. Criteria: ACMG Guidelines, 2015. Collection method: clinical testing. Allele origin: germline.

Klaassen Lab, Charite University Medicine Berlin
Classification: Uncertain significance for Primary dilated cardiomyopathy. Last evaluated: 2019-07-03. Review status: criteria provided, single submitter. Criteria: ACMG Guidelines, 2015. Collection method: research. Allele origin: germline. Affected: yes.

Illumina Laboratory Services, Illumina
Classification: Uncertain significance for Arrhythmogenic right ventricular dysplasia 9. Last evaluated: 2017-04-27. Review status: criteria provided, single submitter. Criteria: ICSL Variant Classification Criteria 13 December 2019. Collection method: clinical testing. Allele origin: germline.

Breakthrough Genomics
Classification: Uncertain significance. Review status: criteria provided, single submitter. Criteria: ACMG Guidelines, 2015. Collection method: not provided. Allele origin: germline. Inheritance: Autosomal dominant inheritance. Affected: yes.

Literature cited by the submitters: PubMed 31568572 (cited by 3 submitters); PubMed 31333075 (cited by Klaassen Lab, Charite University Medicine Berlin).